The following is an entry in ClinVar:

NM_021147.5(CCNO):c.187T>C (p.Ser63Pro)

Gene: CCNO (cyclin O; minus strand). Cytogenetic location: 5q11.2.
Variant type: single nucleotide variant.
Coding change: c.187T>C on transcript NM_021147.5 (MANE Select); coding-DNA position 187, T replaced by C.
Protein change: p.Ser63Pro; replaces serine 63 with proline.
Molecular consequence: missense variant. On other transcripts: non-coding transcript variant (2).
Genome position (GRCh38, 1-based): chr5:55,233,337, A>G on the plus strand (T>C on the coding strand, the complement: CCNO is on the minus strand). VCF-style: chr5-55233337-A-G. GRCh37 (hg19) VCF-style: chr5-54529165-A-G.
Other names: p.Ser63Pro; c.187T>C (NM_021147.3, NM_021147.4); short protein forms S63P.
Identifiers: ClinVar variation 648428 (VCV000648428.12), dbSNP rs377241996, ClinGen allele CA3266843.

ClinVar aggregate classification (germline): Uncertain significance. Review status: criteria provided, multiple submitters, no conflicts (2 of 4 stars). 6 submissions from 6 submitters: Uncertain significance (6). Last evaluated 2025-02-27.

Conditions:
Primary ciliary dyskinesia 29. Also called: CILIARY DYSKINESIA, PRIMARY, 29, WITHOUT SITUS INVERSUS. Identifiers: Orphanet 244, MedGen C4014534, MONDO:0014378, OMIM 615872.
Primary ciliary dyskinesia. Also called: Ciliary dyskinesia. Identifiers: Orphanet 244, MedGen C0008780, MONDO:0016575, HP:0012265.
Inborn genetic diseases. Identifiers: MedGen C0950123, MeSH D030342.

Allele frequency attached by ClinVar (database versions not stated): 1000 Genomes Project 30x 0.00016; ESP Exome Variant Server 0.00031; gnomAD 0.00046 and 0.00047; gnomAD exomes 0.00049; TOPMed 0.00051; ExAC 0.00081.
gnomAD v4.1: 1,089 of 1,606,404 alleles (0.068%); highest among the groups gnomAD compares: Non-Finnish European, 0.089%; no homozygotes.

Submissions (6):

Mayo Clinic Laboratories, Mayo Clinic
Classification: Uncertain significance. Last evaluated: 2025-02-27. Review status: criteria provided, single submitter. Criteria: ACMG Guidelines, 2015. Collection method: clinical testing. Allele origin: germline. Observed: 1 variant allele.
Comment: BP4

ARUP Laboratories, Molecular Genetics and Genomics, ARUP Laboratories
Classification: Uncertain significance for Primary ciliary dyskinesia 29. Last evaluated: 2024-11-04. Review status: criteria provided, single submitter. Criteria: ARUP Molecular Germline Variant Investigation Process 2024. Collection method: clinical testing. Allele origin: germline.
Comment: The CCNO c.187T>C; p.Ser63Pro variant (rs377241996), to our knowledge, is not reported in the medical literature but is reported in ClinVar (Variation ID: 648428). This variant is found in the general population with an overall allele frequency of 0.047% (124/263166 alleles) in the Genome Aggregation Database. Computational analyses predict that this variant is neutral (REVEL: 0.073). Due to limited information, the clinical significance of this variant is uncertain at this time.

Blueprint Genetics
Classification: Uncertain significance. Last evaluated: 2024-09-10. Review status: criteria provided, single submitter. Criteria: ACMG Guidelines, 2015. Collection method: clinical testing. Allele origin: germline.

GeneDx
Classification: Uncertain significance. Last evaluated: 2024-08-03. Review status: criteria provided, single submitter. Criteria: GeneDx Variant Classification Process June 2021. Collection method: clinical testing. Allele origin: germline. Affected: yes.
Comment: In silico analysis indicates that this missense variant does not alter protein structure/function; Has not been previously published as pathogenic or benign to our knowledge

Ambry Genetics
Classification: Uncertain significance for Inborn genetic diseases. Last evaluated: 2024-04-12. Review status: criteria provided, single submitter. Criteria: Ambry Variant Classification Scheme 2023. Collection method: clinical testing. Allele origin: germline.

Labcorp Genetics (formerly Invitae), Labcorp
Classification: Uncertain significance for Primary ciliary dyskinesia. Last evaluated: 2022-10-21. Review status: criteria provided, single submitter. Criteria: Invitae Variant Classification Sherloc (09022015). Collection method: clinical testing. Allele origin: germline.
Comment: This sequence change replaces serine, which is neutral and polar, with proline, which is neutral and non-polar, at codon 63 of the CCNO protein (p.Ser63Pro). This variant is present in population databases (rs377241996, gnomAD 0.09%), and has an allele count higher than expected for a pathogenic variant. This variant has not been reported in the literature in individuals affected with CCNO-related conditions. ClinVar contains an entry for this variant (Variation ID: 648428). Advanced modeling of protein sequence and biophysical properties (such as structural, functional, and spatial information, amino acid conservation, physicochemical variation, residue mobility, and thermodynamic stability) performed at Invitae indicates that this missense variant is not expected to disrupt CCNO protein function. In summary, the available evidence is currently insufficient to determine the role of this variant in disease. Therefore, it has been classified as a Variant of Uncertain Significance.